The following is an entry in ClinVar:

NM_000368.5(TSC1):c.1794C>T (p.Ser598=)

Gene: TSC1 (TSC complex subunit 1; minus strand). Cytogenetic location: 9q34.13.
Variant type: single nucleotide variant.
Coding change: c.1794C>T on transcript NM_000368.5 (MANE Select); coding-DNA position 1794, C replaced by T.
Protein change: p.Ser598=; no amino-acid change (serine 598 retained).
Molecular consequence: synonymous variant.
Genome position (GRCh38, 1-based): chr9:132,905,784, G>A on the plus strand (C>T on the coding strand, the complement: TSC1 is on the minus strand). VCF-style: chr9-132905784-G-A. GRCh37 (hg19) VCF-style: chr9-135781171-G-A.
Other names: c.1791C>T, p.Ser597= (NM_001162426.2); c.1641C>T, p.Ser547= (NM_001162427.2); c.1431C>T, p.Ser477= (NM_001362177.2).
Identifiers: ClinVar variation 220765 (VCV000220765.32), dbSNP rs766438395, ClinGen allele CA348664.

ClinVar aggregate classification (germline): Conflicting classifications of pathogenicity. Review status: criteria provided, conflicting classifications (1 of 4 stars). 12 submissions from 12 submitters: Uncertain significance (2); Benign (3); Likely benign (6). 1 of the submissions does not count toward it. Last evaluated 2025-11-25.

Conditions:
Tuberous sclerosis 1 (TSC1). Identifiers: Orphanet 805, MedGen C1854465, MONDO:0008612, OMIM 191100.
Hereditary cancer-predisposing syndrome. Also called: Tumor predisposition; Neoplastic Syndromes, Hereditary; Hereditary Cancer Syndrome; Hereditary neoplastic syndrome. Identifiers: Orphanet 140162, MedGen C0027672, MeSH D009386, MONDO:0015356.
TSC1-related disorder. Also called: TSC1-related condition.
Tuberous sclerosis syndrome (TSC). Also called: Tuberous Sclerosis Complex; Tuberous sclerosis. Identifiers: Orphanet 805, MedGen C0041341, MONDO:0001734.
Lymphangiomyomatosis (LAM). Also called: Lymphangioleiomyomatosis; Lymphangioleiomyomatosis, somatic. Identifiers: Orphanet 538, MedGen C0751674, MONDO:0011705, OMIM 606690.
Isolated focal cortical dysplasia type II (FCORD2). Also called: Focal cortical dysplasia type II; CORTICAL DYSPLASIA OF TAYLOR. Identifiers: Orphanet 268994, MedGen C1846385, MONDO:0011818, OMIM 607341, HP:0032051.

Allele frequency attached by ClinVar (database versions not stated): gnomAD 0.00001; TOPMed 0.00001.
gnomAD v4.1: 8 of 1,614,066 alleles (0.0005%); highest among the groups gnomAD compares: African/African-American, 0.0027%; no homozygotes.

Submissions (12):

Labcorp Genetics (formerly Invitae), Labcorp
Classification: Benign for Tuberous sclerosis 1. Last evaluated: 2025-11-25. Review status: criteria provided, single submitter. Criteria: Invitae Variant Classification Sherloc (09022015). Collection method: clinical testing. Allele origin: germline.

Color Diagnostics, LLC DBA Color Health
Classification: Likely benign for Tuberous sclerosis syndrome. Last evaluated: 2025-09-05. Review status: criteria provided, single submitter. Criteria: ACMG Guidelines, 2015. Collection method: clinical testing. Allele origin: germline.

Myriad Genetics, Inc.
Classification: Benign for Tuberous sclerosis 1. Last evaluated: 2025-04-10. Review status: criteria provided, single submitter. Criteria: Myriad Autosomal Dominant, Autosomal Recessive and X-Linked Classification Criteria (2023). Collection method: clinical testing. Allele origin: unknown.
Comment: This variant is considered benign. This variant is a silent/synonymous amino acid change and it is not expected to impact splicing.

Fulgent Genetics
Classification: Likely benign for Tuberous sclerosis 1; Lymphangiomyomatosis; Isolated focal cortical dysplasia type II. Last evaluated: 2024-06-24. Review status: criteria provided, single submitter. Criteria: ACMG Guidelines, 2015. Collection method: clinical testing. Allele origin: germline.

All of Us Research Program, National Institutes of Health
Classification: Uncertain significance for Tuberous sclerosis syndrome. Last evaluated: 2024-01-11. Review status: criteria provided, single submitter. Criteria: ACMG Guidelines, 2015. Collection method: clinical testing. Allele origin: germline. Inheritance: Autosomal dominant inheritance. Observed: 9 variant alleles, 9 heterozygotes.
Comment: This variant is located in the TSC1 protein. To our knowledge, functional studies have not been reported for this variant. This variant has not been reported in individuals affected with TSC1-related disorders in the literature. This variant has been identified in 1/31396 chromosomes in the general population by the Genome Aggregation Database (gnomAD). The available evidence is insufficient to determine the role of this variant in disease conclusively. Therefore, this variant is classified as a Variant of Uncertain Significance.

This study involves interpretation of variants in research participants for the purpose of population health screening. Participant phenotype was not available at the time of variant classification. Additional details can be found in publication PMID: 35346344, PMCID: PMC8962531

Genome-Nilou Lab
Classification: Benign for Tuberous sclerosis 1. Last evaluated: 2021-11-07. Review status: criteria provided, single submitter. Criteria: ACMG Guidelines, 2015. Collection method: clinical testing. Allele origin: germline. Affected: no.

Sema4
Classification: Uncertain significance for Hereditary cancer-predisposing syndrome. Last evaluated: 2021-09-18. Review status: criteria provided, single submitter. Criteria: Sema4 Curation Guidelines. Collection method: curation. Allele origin: germline.
Comment: The TSC1 c.1794C>T (p.S598=) variant has not been reported in the literature to our knowledge. It was observed in 1/8714 chromosomes of the African/African American subpopulation in the large and broad cohorts of the Genome Aggregation Database (PMID: 32461654). The variant has been reported in ClinVar (Variation ID: 220765). Splice site prediction tools suggest the variant may create a cryptic splice donor site, however these predictions have not been confirmed by transcriptional studies. The evidence is insufficient to meet ACMG/AMP criteria for classifying the variant as benign or pathogenic. Thus, the clinical significance of this variant is currently uncertain.

Blueprint Genetics
Classification: Likely benign. Last evaluated: 2019-12-02. Review status: criteria provided, single submitter. Criteria: ACMG Guidelines, 2015. Collection method: clinical testing. Allele origin: germline.

ARUP Laboratories, Molecular Genetics and Genomics, ARUP Laboratories
Classification: Likely benign. Last evaluated: 2018-09-24. Review status: criteria provided, single submitter. Criteria: ARUP Molecular Germline Variant Investigation Process. Collection method: clinical testing. Allele origin: germline.

GeneDx
Classification: Likely benign. Last evaluated: 2018-06-06. Review status: criteria provided, single submitter. Criteria: GeneDx Variant Classification (06012015). Collection method: clinical testing. Allele origin: germline. Affected: yes.
Comment: This variant is considered likely benign or benign based on one or more of the following criteria: it is a conservative change, it occurs at a poorly conserved position in the protein, it is predicted to be benign by multiple in silico algorithms, and/or has population frequency not consistent with disease.

Ambry Genetics
Classification: Likely benign for Hereditary cancer-predisposing syndrome. Last evaluated: 2015-05-08. Review status: criteria provided, single submitter. Criteria: Ambry Variant Classification Scheme 2023. Collection method: clinical testing. Allele origin: germline.

PreventionGenetics, part of Exact Sciences
Classification: Likely benign for TSC1-related condition. Last evaluated: 2023-08-25. Review status: no assertion criteria provided. Collection method: clinical testing. Allele origin: germline. Not counted in ClinVar's aggregate classification.
Comment: This variant is classified as likely benign based on ACMG/AMP sequence variant interpretation guidelines (Richards et al. 2015 PMID: 25741868, with internal and published modifications).